The following is an entry in ClinVar:

ClinVar aggregate classification (germline): Uncertain significance (1 of 4 stars; one submission).

Submission:

Labcorp Genetics (formerly Invitae), Labcorp
Classification: Uncertain significance. Last evaluated: 2023-03-09. Review status: criteria provided, single submitter. Criteria: Invitae Variant Classification Sherloc (09022015). Collection method: clinical testing. Allele origin: germline.
Comment: In summary, the available evidence is currently insufficient to determine the role of this variant in disease. Therefore, it has been classified as a Variant of Uncertain Significance. Experimental studies and prediction algorithms are not available or were not evaluated, and the functional significance of this variant is currently unknown. This variant has not been reported in the literature in individuals affected with MYO7A-related conditions. This variant is not present in population databases (gnomAD no frequency). This variant, c.6155_6157del, results in the deletion of 1 amino acid(s) of the MYO7A protein (p.Tyr2052del), but otherwise preserves the integrity of the reading frame.

NM_000260.4(MYO7A):c.6155_6157del (p.Tyr2052del)

Gene: MYO7A (myosin VIIA; plus strand). Cytogenetic location: 11q13.5.
Variant type: Deletion.
Coding change: c.6155_6157del on transcript NM_000260.4 (MANE Select); coding-DNA positions 6155 to 6157, 3 bases deleted (ACT; older notation c.6155_6157delACT).
Protein change: p.Tyr2052del; deletes tyrosine 2052.
Molecular consequence: inframe deletion.
Genome position (GRCh38, 1-based): chr11:77,211,255-77,211,257, ACT deleted; deleting any 3 consecutive bases within chr11:77,211,253-77,211,257 gives the same sequence; the c. name uses the placement nearest the transcript's 3' end. VCF-style (leftmost placement, unchanged base first): chr11-77211252-CCTA-C. GRCh37 (hg19) VCF-style: chr11-76922297-CCTA-C.
Other names: c.6008_6010del, p.Tyr2003del (NM_001369365.1); c.6041_6043del, p.Tyr2014del (NM_001127180.2); short protein forms Y2014del, Y2003del, Y2052del.
Identifiers: ClinVar variation 2844437 (VCV002844437.3), dbSNP rs2497800374, ClinGen allele CA2739265962.